The following is an entry in ClinVar:

NM_024678.6(NARS2):c.594+1G>C

Gene: NARS2 (asparaginyl-tRNA synthetase 2, mitochondrial; minus strand). Cytogenetic location: 11q14.1.
Variant type: single nucleotide variant.
Coding change: c.594+1G>C on transcript NM_024678.6 (MANE Select); the canonical splice donor site of the intron after coding-DNA position 594, G replaced by C.
Molecular consequence: splice donor variant.
Genome position (GRCh38, 1-based): chr11:78,559,538, C>G on the plus strand (G>C on the coding strand, the complement: NARS2 is on the minus strand). VCF-style: chr11-78559538-C-G. GRCh37 (hg19) VCF-style: chr11-78270584-C-G.
Other names: c.-88+1G>C (NM_001243251.2).
Identifiers: ClinVar variation 1206806 (VCV001206806.3), dbSNP rs1035101172, ClinGen allele CA225111775.

ClinVar aggregate classification (germline): Uncertain significance (1 of 4 stars; one submission).

Allele frequency attached by ClinVar (database versions not stated): gnomAD 0.00001.
gnomAD v4.1: 6 of 1,600,198 alleles (0.00037%); highest among the groups gnomAD compares: Non-Finnish European, 0.00051%; no homozygotes.

Submission:

GeneDx
Classification: Uncertain significance. Last evaluated: 2019-06-16. Review status: criteria provided, single submitter. Criteria: GeneDx Variant Classification Process June 2021. Collection method: clinical testing. Allele origin: germline. Affected: yes.
Comment: Canonical splice site variant predicted to result in an in-frame deletion of exon 5; Not observed at a significant frequency in large population cohorts (Lek et al., 2016); Has not been previously published as pathogenic or benign to our knowledge; A different splice variant at this residue (c.594+1G>A) has been reported in the published literature in two individuals from one family with clinical findings consistent with a NARS2-related disorder, who also harbored a second variant in trans (Mizuguchi et al., 2017)